The following is an entry in ClinVar:

ClinVar aggregate classification (germline): Likely benign. Review status: criteria provided, multiple submitters, no conflicts (2 of 4 stars). 4 submissions from 4 submitters: Likely benign (3). 1 of the submissions does not count toward it. Last evaluated 2026-02-01.

Conditions:
CEP164-related disorder. Also called: CEP164-related condition.
Nephronophthisis 15 (NPHP15). Identifiers: Orphanet 3156, MedGen C3541853, MONDO:0013917, OMIM 614845.

Allele frequency attached by ClinVar (database versions not stated): gnomAD exomes 0.00013 and 0.00023; ExAC 0.00029; gnomAD 0.00091 and 0.00096; 1000 Genomes Project 30x 0.00094; 1000 Genomes Project 0.00100; ESP Exome Variant Server 0.00100; TOPMed 0.00108.
gnomAD v4.1: 328 of 1,611,894 alleles (0.02%); highest among the groups gnomAD compares: African/African-American, 0.34%; no homozygotes.

Submissions (4):

Labcorp Genetics (formerly Invitae), Labcorp
Classification: Likely benign for Nephronophthisis 15. Last evaluated: 2026-02-01. Review status: criteria provided, single submitter. Criteria: Invitae Variant Classification Sherloc (09022015). Collection method: clinical testing. Allele origin: germline.

Mayo Clinic Laboratories, Mayo Clinic
Classification: Likely benign. Last evaluated: 2025-12-14. Review status: criteria provided, single submitter. Criteria: ACMG Guidelines, 2015. Collection method: clinical testing. Allele origin: germline. Observed: 1 variant allele.
Comment: BS1, BP4_moderate

Blueprint Genetics
Classification: Likely benign. Last evaluated: 2024-07-23. Review status: criteria provided, single submitter. Criteria: ACMG Guidelines, 2015. Collection method: clinical testing. Allele origin: germline.

PreventionGenetics, part of Exact Sciences
Classification: Likely benign for CEP164-related condition. Last evaluated: 2024-07-29. Review status: no assertion criteria provided. Collection method: clinical testing. Allele origin: germline. Not counted in ClinVar's aggregate classification.
Comment: This variant is classified as likely benign based on ACMG/AMP sequence variant interpretation guidelines (Richards et al. 2015 PMID: 25741868, with internal and published modifications).

NM_014956.5(CEP164):c.1691C>T (p.Ala564Val)

Gene: CEP164 (centrosomal protein 164; plus strand). Cytogenetic location: 11q23.3.
Variant type: single nucleotide variant.
Coding change: c.1691C>T on transcript NM_014956.5 (MANE Select); coding-DNA position 1691, C replaced by T.
Protein change: p.Ala564Val; replaces alanine 564 with valine.
Molecular consequence: missense variant.
Genome position (GRCh38, 1-based): chr11:117,382,909, C>T. VCF-style: chr11-117382909-C-T. GRCh37 (hg19) VCF-style: chr11-117253625-C-T.
Other names: p.Ala564Val; c.1700C>T, p.Ala567Val (NM_001271933.2); short protein forms A564V, A567V.
Identifiers: ClinVar variation 774096 (VCV000774096.14), dbSNP rs144557388, ClinGen allele CA6294824.